The following is an entry in ClinVar:

ClinVar aggregate classification (germline): Likely benign (1 of 4 stars; one submission).

Conditions:
PLEKHG5-related disorder. Also called: PLEKHG5-related condition.

gnomAD v4.1: 133 of 1,529,564 alleles (0.0087%); highest among the groups gnomAD compares: Non-Finnish European, 0.011%; no homozygotes.

Submission:

PreventionGenetics, part of Exact Sciences
Classification: Likely benign for PLEKHG5-related condition. Last evaluated: 2026-04-15. Review status: criteria provided, single submitter. Criteria: ACMG Guidelines, 2015. Collection method: clinical testing. Allele origin: germline.
Comment: This variant is classified as likely benign based on ACMG/AMP sequence variant interpretation guidelines (Richards et al. 2015 PMID: 25741868, with internal and published modifications).

NM_001265592.2(PLEKHG5):c.-55G>A

Gene: PLEKHG5 (pleckstrin homology and RhoGEF domain containing G5; minus strand). Cytogenetic location: 1p36.31.
Variant type: single nucleotide variant.
Coding change: c.-55G>A on transcript NM_001265592.2; 55 bases upstream of the start codon, G replaced by A.
Molecular consequence: 5 prime UTR variant. On other transcripts: intron variant (2).
Genome position (GRCh38, 1-based): chr1:6,496,960, C>T on the plus strand (G>A on the coding strand, the complement: PLEKHG5 is on the minus strand). VCF-style: chr1-6496960-C-T. GRCh37 (hg19) VCF-style: chr1-6557020-C-T.
Other names: c.-164-391G>A (NM_198681.4); c.-54+360G>A (NM_001042663.3).
Identifiers: ClinVar variation 4981396 (VCV004981396.1).